The following is an entry in ClinVar:

ClinVar aggregate classification (germline): Uncertain significance (1 of 4 stars; one submission).

Conditions:
Recessive dystrophic epidermolysis bullosa (RDEB). Also called: DYSTROPHIC EPIDERMOLYSIS BULLOSA, AUTOSOMAL RECESSIVE; EPIDERMOLYSIS BULLOSA DYSTROPHICA, HALLOPEAU-SIEMENS TYPE; Hallopeau-Siemens Disease; EPIDERMOLYSIS BULLOSA DYSTROPHICA, GENERALIZED SEVERE, AUTOSOMAL RECESSIVE; epidermolysis bullosa dystrophica, autosomal recessive; Recessive DEB (RDEB). Identifiers: Orphanet 79408, Orphanet 79409, MedGen C0079474, MONDO:0009179, OMIM 226600.

Submission:

Juno Genomics, Hangzhou Juno Genomics, Inc
Classification: Uncertain significance for Recessive dystrophic epidermolysis bullosa. Review status: criteria provided, single submitter. Criteria: ACMG Guidelines, 2015. Collection method: clinical testing. Allele origin: germline. Affected: yes.
Comment: Absent from controls (or at extremely low frequency if recessive) in Genome Aggregation Database, Exome Sequencing Project, 1000 Genomes Project, or Exome Aggregation Consortium.;Multiple lines of computational evidence support a deleterious effect on the gene or gene product (conservation, evolutionary, splicing impact, etc).;Patient's phenotype or family history is highly specific for a disease with a single genetic etiology.

NM_000094.4(COL7A1):c.4196A>T (p.Lys1399Met)

Gene: COL7A1 (collagen type VII alpha 1 chain; minus strand). Cytogenetic location: 3p21.31.
Variant type: single nucleotide variant.
Coding change: c.4196A>T on transcript NM_000094.4 (MANE Select); coding-DNA position 4196, A replaced by T.
Protein change: p.Lys1399Met; replaces lysine 1399 with methionine.
Molecular consequence: missense variant.
Genome position (GRCh38, 1-based): chr3:48,584,299, T>A on the plus strand (A>T on the coding strand, the complement: COL7A1 is on the minus strand). VCF-style: chr3-48584299-T-A. GRCh37 (hg19) VCF-style: chr3-48621732-T-A.
Other names: short protein forms K1399M.
Identifiers: ClinVar variation 3383168 (VCV003383168.2).
Genomic context (GRCh38, chr3:48,584,299, plus strand): 5'-TGTGGGTTCAAATGGGGTCACCAGGTCTCTGCATCACATGGCACTCATGAGGCTGTCACC[T>A]TCATGGCTGTTCCAGGAAGCCCTGGGGGGCCACGGGGTCCTGGGTCCCCCAGTGGTCCAC-3'
Protein context (NP_000085.1, residues 1389-1409): GPPGLPGTAM[Lys1399Met]GDKGDRGERG